The following is an entry in ClinVar:

ClinVar aggregate classification (germline): Pathogenic (1 of 4 stars; one submission).

Conditions:
Legius syndrome. Identifiers: Orphanet 137605, MedGen C1969623, MONDO:0012669, OMIM 611431. Disease mechanism: loss of function.

Submission:

Labcorp Genetics (formerly Invitae), Labcorp
Classification: Pathogenic for Legius syndrome. Last evaluated: 2022-01-04. Review status: criteria provided, single submitter. Criteria: Invitae Variant Classification Sherloc (09022015). Collection method: clinical testing. Allele origin: germline.
Comment: For these reasons, this variant has been classified as Pathogenic. This variant disrupts a region of the SPRED1 protein in which other variant(s) (p.Phe400Valfs*32) have been determined to be pathogenic (PMID: 19920235). This suggests that this is a clinically significant region of the protein, and that variants that disrupt it are likely to be disease-causing. This variant has not been reported in the literature in individuals affected with SPRED1-related conditions. This variant is not present in population databases (gnomAD no frequency). This sequence change creates a premature translational stop signal (p.Tyr364Cysfs*37) in the SPRED1 gene. While this is not anticipated to result in nonsense mediated decay, it is expected to disrupt the last 81 amino acid(s) of the SPRED1 protein.

Literature cited by the submitters: PubMed 19920235.

NM_152594.3(SPRED1):c.1091_1106del (p.Tyr364fs)

Gene: SPRED1 (sprouty related EVH1 domain containing 1; plus strand). Cytogenetic location: 15q14.
Variant type: Deletion.
Coding change: c.1091_1106del on transcript NM_152594.3 (MANE Select); coding-DNA positions 1091 to 1106, 16 bases deleted (ATCAAGTTAGTTGCAT).
Protein change: p.Tyr364fs; shifts the reading frame from tyrosine 364.
Molecular consequence: frameshift variant.
Genome position (GRCh38, 1-based): chr15:38,351,420-38,351,435, ATCAAGTTAGTTGCAT deleted; deleting any 16 consecutive bases within chr15:38,351,418-38,351,435 gives the same sequence; the c. name uses the placement nearest the transcript's 3' end. VCF-style (leftmost placement, unchanged base first): chr15-38351417-TATATCAAGTTAGTTGC-T. GRCh37 (hg19) VCF-style: chr15-38643618-TATATCAAGTTAGTTGC-T.
Other names: short protein forms Y364fs.
Identifiers: ClinVar variation 2073770 (VCV002073770.4), dbSNP rs2542743874, ClinGen allele CA2580089333.